The following is an entry in ClinVar:

NM_015214.3(DDHD2):c.930C>T (p.Tyr310=)

Gene: DDHD2 (DDHD domain containing 2; plus strand). Cytogenetic location: 8p11.23.
Variant type: single nucleotide variant.
Coding change: c.930C>T on transcript NM_015214.3 (MANE Select); coding-DNA position 930, C replaced by T.
Protein change: p.Tyr310=; no amino-acid change (tyrosine 310 retained).
Molecular consequence: synonymous variant. On other transcripts: non-coding transcript variant (2).
Genome position (GRCh38, 1-based): chr8:38,245,823, C>T. VCF-style: chr8-38245823-C-T. GRCh37 (hg19) VCF-style: chr8-38103341-C-T.
Other names: c.930C>T, p.Tyr310= (NM_001164232.2, NM_001362911.2, NM_001362912.2 and 1 more transcripts); c.840C>T, p.Tyr280= (NM_001362913.2).
Identifiers: ClinVar variation 516316 (VCV000516316.10), dbSNP rs200317856, ClinGen allele CA4716120.

ClinVar aggregate classification (germline): Likely benign. Review status: criteria provided, multiple submitters, no conflicts (2 of 4 stars). 3 submissions from 3 submitters: Likely benign (3). Last evaluated 2025-10-04.

Conditions:
Hereditary spastic paraplegia 54. Also called: Spastic paraplegia 54, autosomal recessive. Identifiers: Orphanet 320380, MedGen C3539495, MONDO:0014018, OMIM 615033.

Allele frequency attached by ClinVar (database versions not stated): ESP Exome Variant Server 0.00008; gnomAD exomes 0.00010 and 0.00018; ExAC 0.00012; gnomAD 0.00014; TOPMed 0.00017.
gnomAD v4.1: 185 of 1,614,058 alleles (0.011%); highest among the groups gnomAD compares: Admixed American, 0.02%; no homozygotes.

Submissions (3):

Labcorp Genetics (formerly Invitae), Labcorp
Classification: Likely benign for Hereditary spastic paraplegia 54. Last evaluated: 2025-10-04. Review status: criteria provided, single submitter. Criteria: Invitae Variant Classification Sherloc (09022015). Collection method: clinical testing. Allele origin: germline.

GeneDx
Classification: Likely benign. Last evaluated: 2018-02-12. Review status: criteria provided, single submitter. Criteria: GeneDx Variant Classification (06012015). Collection method: clinical testing. Allele origin: germline. Affected: yes.
Comment: This variant is considered likely benign or benign based on one or more of the following criteria: it is a conservative change, it occurs at a poorly conserved position in the protein, it is predicted to be benign by multiple in silico algorithms, and/or has population frequency not consistent with disease.

Breakthrough Genomics
Classification: Likely benign. Review status: criteria provided, single submitter. Criteria: ACMG Guidelines, 2015. Collection method: not provided. Allele origin: germline. Inheritance: Autosomal recessive inheritance. Affected: yes.